The following is an entry in ClinVar:

ClinVar aggregate classification (germline): Uncertain significance. Review status: criteria provided, multiple submitters, no conflicts (2 of 4 stars). 2 submissions from 2 submitters: Uncertain significance (2). Last evaluated 2024-06-05.

Conditions:
Autosomal recessive nonsyndromic hearing loss 97. Also called: Deafness, autosomal recessive 97. Identifiers: Orphanet 90636, MedGen C4084709, MONDO:0014739, OMIM 616705.
Hereditary cancer-predisposing syndrome. Also called: Neoplastic Syndromes, Hereditary; Tumor predisposition; Hereditary Cancer Syndrome; Hereditary neoplastic syndrome. Identifiers: Orphanet 140162, MedGen C0027672, MeSH D009386, MONDO:0015356.

Allele frequency attached by ClinVar (database versions not stated): gnomAD exomes below 0.00001.
gnomAD v4.1: 3 of 1,613,896 alleles (0.00019%); highest among the groups gnomAD compares: Middle Eastern, 0.017%; no homozygotes.

Submissions (2):

Ambry Genetics
Classification: Uncertain significance for Hereditary cancer-predisposing syndrome. Last evaluated: 2024-06-05. Review status: criteria provided, single submitter. Criteria: Ambry Variant Classification Scheme 2023. Collection method: clinical testing. Allele origin: germline.
Comment: The p.K1121E variant (also known as c.3361A>G), located in coding exon 15 of the MET gene, results from an A to G substitution at nucleotide position 3361. The lysine at codon 1121 is replaced by glutamic acid, an amino acid with similar properties. This amino acid position is conserved. In addition, this alteration is predicted to be tolerated by in silico analysis. Based on the available evidence, the clinical significance of this variant remains unclear.

Baylor Genetics
Classification: Uncertain significance for Autosomal recessive nonsyndromic hearing loss 97. Last evaluated: 2023-06-02. Review status: criteria provided, single submitter. Criteria: ACMG Guidelines, 2015. Collection method: clinical testing. Allele origin: unknown.

NM_000245.4(MET):c.3307A>G (p.Lys1103Glu)

Gene: MET (MET proto-oncogene, receptor tyrosine kinase; plus strand). Cytogenetic location: 7q31.2.
Variant type: single nucleotide variant.
Coding change: c.3307A>G on transcript NM_000245.4 (MANE Select); coding-DNA position 3307, A replaced by G.
Protein change: p.Lys1103Glu; replaces lysine 1103 with glutamic acid.
Molecular consequence: missense variant.
Genome position (GRCh38, 1-based): chr7:116,777,436, A>G. VCF-style: chr7-116777436-A-G. GRCh37 (hg19) VCF-style: chr7-116417490-A-G.
Other names: c.3361A>G, p.Lys1121Glu (NM_001127500.3); c.2017A>G, p.Lys673Glu (NM_001324402.2); short protein forms K1103E, K1121E, K673E.
Identifiers: ClinVar variation 2676528 (VCV002676528.2), dbSNP rs1347737002, ClinGen allele CA368989694.